The following is an entry in ClinVar:

NM_000718.4(CACNA1B):c.2608G>A (p.Glu870Lys)

Gene: CACNA1B (calcium voltage-gated channel subunit alpha1 B; plus strand). Cytogenetic location: 9q34.3.
Variant type: single nucleotide variant.
Coding change: c.2608G>A on transcript NM_000718.4 (MANE Select); coding-DNA position 2608, G replaced by A.
Protein change: p.Glu870Lys; replaces glutamic acid 870 with lysine.
Molecular consequence: missense variant.
Genome position (GRCh38, 1-based): chr9:138,023,351, G>A. VCF-style: chr9-138023351-G-A. GRCh37 (hg19) VCF-style: chr9-140917803-G-A.
Other names: c.2608G>A, p.Glu870Lys (NM_001243812.2); short protein forms E870K.
Identifiers: ClinVar variation 2036847 (VCV002036847.4), dbSNP rs1157372890, ClinGen allele CA375809751.
Genomic context (GRCh38, chr9:138,023,351, plus strand): 5'-AGGCACCACCGGCACCGCGACAAGGACAAGACCCCCGCGGCGGGGGACCAGGACCGAGCA[G>A]AGGCCCCGAAGGCGGAGAGCGGGGAGCCCGGTGCCCGGGAGGAGCGGCCGCGGCCGCACC-3'
Protein context (NP_000709.1, residues 860-880): TPAAGDQDRA[Glu870Lys]APKAESGEPG

ClinVar aggregate classification (germline): Uncertain significance (1 of 4 stars; one submission).

Allele frequency attached by ClinVar (database versions not stated): gnomAD 0.00001.

Submission:

Labcorp Genetics (formerly Invitae), Labcorp
Classification: Uncertain significance. Last evaluated: 2022-06-27. Review status: criteria provided, single submitter. Criteria: Invitae Variant Classification Sherloc (09022015). Collection method: clinical testing. Allele origin: germline.
Comment: In summary, the available evidence is currently insufficient to determine the role of this variant in disease. Therefore, it has been classified as a Variant of Uncertain Significance. Advanced modeling of protein sequence and biophysical properties (such as structural, functional, and spatial information, amino acid conservation, physicochemical variation, residue mobility, and thermodynamic stability) performed at Invitae indicates that this missense variant is not expected to disrupt CACNA1B protein function. This variant has not been reported in the literature in individuals affected with CACNA1B-related conditions. This variant is not present in population databases (gnomAD no frequency). This sequence change replaces glutamic acid, which is acidic and polar, with lysine, which is basic and polar, at codon 870 of the CACNA1B protein (p.Glu870Lys).